The following is an entry in ClinVar:

ClinVar aggregate classification (germline): Pathogenic (1 of 4 stars; one submission).

Conditions:
Cardiovascular phenotype. Identifiers: MedGen CN230736.

Submission:

Ambry Genetics
Classification: Pathogenic for Cardiovascular phenotype. Last evaluated: 2020-12-10. Review status: criteria provided, single submitter. Criteria: Ambry Variant Classification Scheme 2023. Collection method: clinical testing. Allele origin: germline.
Comment: The c.7577_7590del14 (p.C2526Ffs*5) alteration, located in exon 9 (coding exon 9) of the ALMS1 gene, consists of a deletion of 14 nucleotides from position 7577 to 7590, causing a translational frameshift with a predicted alternate stop codon after 5 amino acids. In addition to the clinical data presented in the literature, this alteration is expected to result in loss of function by premature protein truncation or nonsense-mediated mRNA decay. This mutation was identified in 2 alleles in a cohort of individuals meeting clinical criteria for Alstr&ouml;m syndrome; however, complete genotype and phenotype details were not provided (Marshall, 2015). Based on the available evidence, this alteration is classified as pathogenic.

Literature cited by the submitters: PubMed 25846608.

NM_001378454.1(ALMS1):c.7574_7587del (p.Cys2525fs)

Gene: ALMS1 (ALMS1 centrosome and basal body associated protein; plus strand). Cytogenetic location: 2p13.1.
Variant type: Deletion.
Coding change: c.7574_7587del on transcript NM_001378454.1 (MANE Select); coding-DNA positions 7574 to 7587, 14 bases deleted (GTGGATACTCCATT).
Protein change: p.Cys2525fs; shifts the reading frame from cysteine 2525.
Molecular consequence: frameshift variant.
Genome position (GRCh38, 1-based): chr2:73,455,195-73,455,208, GTGGATACTCCATT deleted; deleting any 14 consecutive bases within chr2:73,455,192-73,455,208 gives the same sequence; the c. name uses the placement nearest the transcript's 3' end. VCF-style (leftmost placement, unchanged base first): chr2-73455191-GATTGTGGATACTCC-G. GRCh37 (hg19) VCF-style: chr2-73682318-GATTGTGGATACTCC-G.
Other names: c.7577_7590del, p.Cys2526fs (NM_015120.4); c.7577_7590del14 (NM_015120.4); short protein forms C2526fs, C2525fs.
Identifiers: ClinVar variation 2228145 (VCV002228145.2), dbSNP rs2466115606, ClinGen allele CA2580068155.